The following is an entry in ClinVar:

NM_003906.5(MCM3AP):c.2861T>C (p.Ile954Thr)

Gene: MCM3AP (minichromosome maintenance complex component 3 associated protein; minus strand). Cytogenetic location: 21q22.3.
Variant type: single nucleotide variant.
Coding change: c.2861T>C on transcript NM_003906.5 (MANE Select); coding-DNA position 2861, T replaced by C.
Protein change: p.Ile954Thr; replaces isoleucine 954 with threonine.
Molecular consequence: missense variant.
Genome position (GRCh38, 1-based): chr21:46,266,095, A>G on the plus strand (T>C on the coding strand, the complement: MCM3AP is on the minus strand). VCF-style: chr21-46266095-A-G. GRCh37 (hg19) VCF-style: chr21-47686009-A-G.
Other names: c.2861T>C (NM_003906.4); short protein forms I954T.
Identifiers: ClinVar variation 1706447 (VCV001706447.4), dbSNP rs2517390727, ClinGen allele CA410561916.

ClinVar aggregate classification (germline): Conflicting classifications of pathogenicity. Review status: criteria provided, conflicting classifications (1 of 4 stars). 2 submissions from 2 submitters: Likely pathogenic (1); Uncertain significance (1). Last evaluated 2026-01-31.

Conditions:
Peripheral neuropathy, autosomal recessive, with or without impaired intellectual development. Identifiers: MedGen C4748283, MONDO:0029131, OMIM 618124.

Submissions (2):

Genetic Diseases Diagnostic Center, Koc University Hospital
Classification: Likely pathogenic for Peripheral neuropathy, autosomal recessive, with or without impaired intellectual development. Last evaluated: 2026-01-31. Review status: criteria provided, single submitter. Criteria: ACMG Guidelines, 2015. Collection method: clinical testing. Allele origin: biparental. Inheritance: Autosomal recessive inheritance. Affected: yes.
Comment: This variant causes an amino acid change from Ile, which is a nonpolar amino acid, to Thr which is polar. In silico prediction tools (PolyPhen, MutationTaster, SIFT) predict the deleterious effect of this missense variant (PP3), and it has not been reported in gnomAD population database (PM2). This variant co-segregated in a homozygous state in multiple individuals affected by a phenotype highly consistent with MCM3AP-related phenotype (OMIM 618124) in the same family (internal data) (PP1, PP4, PS4). In summary, it is classified as likely pathogenic based on the ACMG/AMP criteria.

Department of Genetics, Sultan Qaboos University Hospital
Classification: Uncertain significance for Peripheral neuropathy, autosomal recessive, with or without impaired intellectual development. Last evaluated: 2022-06-30. Review status: criteria provided, single submitter. Criteria: ACMG Guidelines, 2015. Collection method: clinical testing. Allele origin: germline.